The following is an entry in ClinVar:

NM_000520.6(HEXA):c.532C>T (p.Arg178Cys)

Gene: HEXA (hexosaminidase subunit alpha; minus strand). Cytogenetic location: 15q23.
Variant type: single nucleotide variant.
Coding change: c.532C>T on transcript NM_000520.6 (MANE Select); coding-DNA position 532, C replaced by T.
Protein change: p.Arg178Cys; replaces arginine 178 with cysteine.
Molecular consequence: missense variant. On other transcripts: non-coding transcript variant (1).
Genome position (GRCh38, 1-based): chr15:72,353,106, G>A on the plus strand (C>T on the coding strand, the complement: HEXA is on the minus strand). VCF-style: chr15-72353106-G-A. GRCh37 (hg19) VCF-style: chr15-72645447-G-A.
Other names: c.532C>T (NM_000520.5); c.565C>T, p.Arg189Cys (NM_001318825.2); short protein forms R178C, R189C.
Identifiers: ClinVar variation 3897 (VCV000003897.20), dbSNP rs121907953, ClinGen allele CA116499.

ClinVar aggregate classification (germline): Pathogenic/Likely pathogenic. Review status: criteria provided, multiple submitters, no conflicts (2 of 4 stars). 5 submissions from 5 submitters: Pathogenic (2); Likely pathogenic (1). 2 of the submissions do not count toward it. Last evaluated 2025-09-02.

Conditions:
Tay-Sachs disease (TSD). Also called: GM2 gangliosidosis, type 1; Hexosaminidase alpha-subunit deficiency (variant B); Sphingolipidosis, Tay-Sachs; Hexosaminidase A Deficiency; HEXA Disorders; HEXA DEFICIENCY. Identifiers: Orphanet 845, MedGen C0039373, MONDO:0010100, OMIM 272800.
Tay-Sachs disease, B1 variant. Identifiers: MedGen C1848916, MONDO:0017728.

Allele frequency attached by ClinVar (database versions not stated): gnomAD exomes 0.00001 and 0.00002; ExAC 0.00002.
gnomAD v4.1: 13 of 1,613,432 alleles (0.00081%); highest among the groups gnomAD compares: East Asian, 0.0022%; no homozygotes.

Submissions (5):

Natera, Inc.
Classification: Likely pathogenic for Tay-Sachs disease. Last evaluated: 2025-09-02. Review status: criteria provided, single submitter. Criteria: Natera Variant Classification Schema (03/2026). Collection method: clinical testing. Allele origin: germline.
Comment: The c.532C>T variant in HEXA is a missense variant predicted to cause substitution of arginine to cysteine at amino acid 178. This variant is rare in the general population with a frequency below the threshold expected for the associated phenotype(s). Functional studies show that this variant may disrupt protein function (PMID: 2137287). A different variant at the same position has been determined to be Pathogenic or Likely Pathogenic. Computational prediction algorithms indicate this variant is likely to affect gene or protein function. Given the available evidence, this variant is classified as Likely Pathogenic.

Labcorp Genetics (formerly Invitae), Labcorp
Classification: Pathogenic for Tay-Sachs disease. Last evaluated: 2024-11-03. Review status: criteria provided, single submitter. Criteria: Invitae Variant Classification Sherloc (09022015). Collection method: clinical testing. Allele origin: germline.
Comment: This sequence change replaces arginine, which is basic and polar, with cysteine, which is neutral and slightly polar, at codon 178 of the HEXA protein (p.Arg178Cys). This variant is present in population databases (rs121907953, gnomAD 0.004%). This missense change has been observed in individual(s) with hexosaminidase A deficiency (PMID: 2137287, 27896118). ClinVar contains an entry for this variant (Variation ID: 3897). Invitae Evidence Modeling of protein sequence and biophysical properties (such as structural, functional, and spatial information, amino acid conservation, physicochemical variation, residue mobility, and thermodynamic stability) indicates that this missense variant is expected to disrupt HEXA protein function with a positive predictive value of 95%. Experimental studies have shown that this missense change affects HEXA function (PMID: 2137287). This variant disrupts the p.Arg178 amino acid residue in HEXA. Other variant(s) that disrupt this residue have been determined to be pathogenic (PMID: 10584247, 14577003, 16088929, 17015493). This suggests that this residue is clinically significant, and that variants that disrupt this residue are likely to be disease-causing. For these reasons, this variant has been classified as Pathogenic.

Women's Health and Genetics/Laboratory Corporation of America, LabCorp
Classification: Pathogenic for Tay-Sachs disease. Last evaluated: 2024-05-01. Review status: criteria provided, single submitter. Criteria: LabCorp Variant Classification Summary - May 2015. Collection method: clinical testing. Allele origin: germline.
Comment: Variant summary: HEXA c.532C>T (p.Arg178Cys) results in a non-conservative amino acid change located in the Glycoside hydrolase family 20, catalytic domain (IPR015883) of the encoded protein sequence. Five of five in-silico tools predict a damaging effect of the variant on protein function. The variant allele was found at a frequency of 2e-05 in 251146 control chromosomes. c.532C>T has been reported in the literature in individuals affected with Tay-Sachs Disease (Sheth_2014, Tanaka_1990). A different variant affecting the same codon has been classified as pathogenic by our lab (c.533G>A, p.Arg178His), supporting the critical relevance of codon 178 to HEXA protein function. At least one publication reports experimental evidence evaluating an impact on protein function (Tanaka_1990). The most pronounced variant effect results in <10% of normal activity. The following publications have been ascertained in the context of this evaluation (PMID: 27896118, 2137287). ClinVar contains an entry for this variant (Variation ID: 3897). Based on the evidence outlined above, the variant was classified as pathogenic.

Foundation for Research in Genetics and Endocrinology, FRIGE's Institute of Human Genetics
Classification: Pathogenic for Tay-Sachs disease. Last evaluated: 2012-08-23. Review status: no assertion criteria provided. Collection method: research. Allele origin: germline. Inheritance: Autosomal recessive inheritance. Affected: yes. Observed: 1 compound heterozygote. Not counted in ClinVar's aggregate classification.

OMIM
Classification: Pathogenic for TAY-SACHS DISEASE, B1 VARIANT. Last evaluated: 1990-02-01. Review status: no assertion criteria provided. Collection method: literature only. Allele origin: germline. Not counted in ClinVar's aggregate classification.

Literature cited by the submitters: PubMed 2137287 (cited by 4 submitters); PubMed 27896118 (cited by 3 submitters); PubMed 10584247 (cited by Labcorp Genetics (formerly Invitae), Labcorp); PubMed 14577003 (cited by Labcorp Genetics (formerly Invitae), Labcorp); PubMed 16088929 (cited by Labcorp Genetics (formerly Invitae), Labcorp); PubMed 17015493 (cited by Labcorp Genetics (formerly Invitae), Labcorp).